The following is an entry in ClinVar:

NM_004260.4(RECQL4):c.55C>T (p.Arg19Ter)

Genes: RECQL4 (RecQ like helicase 4; minus strand), LOC130001411 (ATAC-STARR-seq lymphoblastoid silent region 19699; plus strand). Cytogenetic location: 8q24.3.
Variant type: single nucleotide variant.
Coding change: c.55C>T on transcript NM_004260.4 (MANE Select); coding-DNA position 55, C replaced by T.
Protein change: p.Arg19Ter; replaces arginine 19 with a stop codon.
Molecular consequence: nonsense.
Genome position (GRCh38, 1-based): chr8:144,517,730, G>A on the plus strand (C>T on the coding strand, the complement: RECQL4 is on the minus strand). VCF-style: chr8-144517730-G-A. GRCh37 (hg19) VCF-style: chr8-145743114-G-A.
Other names: short protein forms R19*.
Identifiers: ClinVar variation 1075388 (VCV001075388.5), dbSNP rs1401366375, ClinGen allele CA372693767.

ClinVar aggregate classification (germline): Pathogenic (1 of 4 stars; one submission).

Conditions:
Baller-Gerold syndrome (BGS). Also called: CRANIOSYNOSTOSIS WITH RADIAL DEFECTS. Identifiers: Orphanet 1225, MedGen C0265308, MONDO:0009039, OMIM 218600.

gnomAD v4.1: 1 of 1,351,376 alleles (0.000074%); highest among the groups gnomAD compares: South Asian, 0.0017%; no homozygotes.

Submission:

Labcorp Genetics (formerly Invitae), Labcorp
Classification: Pathogenic for Baller-Gerold syndrome. Last evaluated: 2017-01-28. Review status: criteria provided, single submitter. Criteria: Invitae Variant Classification Sherloc (09022015). Collection method: clinical testing. Allele origin: germline.
Comment: For these reasons, this variant has been classified as Pathogenic. While this particular variant has not been reported in the literature, loss-of-function variants in RECQL4 are known to be pathogenic (PMID: 12734318, 12952869). This sequence change creates a premature translational stop signal at codon 19 (p.Arg19*) of the RECQL4 gene. It is expected to result in an absent or disrupted protein product.

Literature cited by the submitters: PubMed 12734318; PubMed 12952869.